The following is an entry in ClinVar:

NM_003002.4(SDHD):c.53-2A>C

Gene: SDHD (succinate dehydrogenase complex subunit D; plus strand). Cytogenetic location: 11q23.1.
Variant type: single nucleotide variant.
Coding change: c.53-2A>C on transcript NM_003002.4 (MANE Select); the canonical splice acceptor site of the intron before coding-DNA position 53, A replaced by C.
Molecular consequence: splice acceptor variant. On other transcripts: intron variant (1).
Genome position (GRCh38, 1-based): chr11:112,087,855, A>C. VCF-style: chr11-112087855-A-C. GRCh37 (hg19) VCF-style: chr11-111958579-A-C.
Other names: c.53-2A>C (NM_001276506.2, NM_001276503.2); c.52+896A>C (NM_001276504.2).
Identifiers: ClinVar variation 2089900 (VCV002089900.5), dbSNP rs778969755, ClinGen allele CA071490.

ClinVar aggregate classification (germline): Likely pathogenic (1 of 4 stars; one submission).

Conditions:
Pheochromocytoma. Also called: MAX-Related Hereditary Paraganglioma-Pheochromocytoma Syndrome. Identifiers: Orphanet 29072, MedGen C0031511, MONDO:0008233, OMIM 171300, HP:0002666.
Carney-Stratakis syndrome. Also called: PARAGANGLIOMA AND GASTROINTESTINAL STROMAL TUMOR. Identifiers: Orphanet 97286, MedGen C1847319, MONDO:0011740, OMIM 606864.
Paragangliomas with sensorineural hearing loss. Identifiers: MedGen C1868633.
Cowden syndrome 3 (CWS3). Identifiers: Orphanet 201, MedGen CN166604, MONDO:0014045.

Allele frequency attached by ClinVar (database versions not stated): ExAC 0.00001.

Submissions (2):

Labcorp Genetics (formerly Invitae), Labcorp
Classification: Likely pathogenic for Carney-Stratakis syndrome; Paragangliomas with sensorineural hearing loss; Pheochromocytoma; Cowden syndrome 3. Last evaluated: 2023-08-04. Review status: criteria provided, single submitter. Criteria: Invitae Variant Classification Sherloc (09022015). Collection method: clinical testing. Allele origin: germline.
Comment: This sequence change affects an acceptor splice site in intron 1 of the SDHD gene. It is expected to disrupt RNA splicing. Variants that disrupt the donor or acceptor splice site typically lead to a loss of protein function (PMID: 16199547), and loss-of-function variants in SDHD are known to be pathogenic (PMID: 19454582, 19802898). In summary, the currently available evidence indicates that the variant is pathogenic, but additional data are needed to prove that conclusively. Therefore, this variant has been classified as Likely Pathogenic. Algorithms developed to predict the effect of sequence changes on RNA splicing suggest that this variant may disrupt the consensus splice site. ClinVar contains an entry for this variant (Variation ID: 2089900). Disruption of this splice site has been observed in individual(s) with head and neck paraganglioma (PMID: 19351833, 30050099). This variant is present in population databases (rs778969755, gnomAD 0.006%).

Dr. Peter K. Rogan Lab, Western University
No classification provided (evidence only). Condition: Clear cell carcinoma of kidney. Review status: no classification provided. Collection method: in vitro. Allele origin: not applicable. Functional consequence: skipped exon, retained intron. Not counted in ClinVar's aggregate classification.

Literature cited by the submitters: PubMed 16199547 (cited by Labcorp Genetics (formerly Invitae), Labcorp); PubMed 19454582 (cited by Labcorp Genetics (formerly Invitae), Labcorp); PubMed 19802898 (cited by Labcorp Genetics (formerly Invitae), Labcorp); PubMed 19351833 (cited by Labcorp Genetics (formerly Invitae), Labcorp); PubMed 30050099 (cited by Labcorp Genetics (formerly Invitae), Labcorp).